The following is an entry in ClinVar:

ClinVar aggregate classification (germline): Pathogenic (1 of 4 stars; one submission).

Conditions:
Hereditary breast ovarian cancer syndrome. Also called: Hereditary breast and ovarian cancer syndrome (HBOC); Hereditary breast and ovarian cancer syndrome; Breast and ovarian cancer; BRCA1- and BRCA2-Associated Hereditary Breast and Ovarian Cancer; Hereditary breast and ovarian cancer; Hereditary breast and/or ovarian cancer syndrome. Identifiers: Orphanet 145, MedGen C0677776, MeSH D061325, MONDO:0003582. Disease mechanism: loss of function.

Submission:

Labcorp Genetics (formerly Invitae), Labcorp
Classification: Pathogenic for Hereditary breast ovarian cancer syndrome. Last evaluated: 2023-09-05. Review status: criteria provided, single submitter. Criteria: Invitae Variant Classification Sherloc (09022015). Collection method: clinical testing. Allele origin: germline.
Comment: This variant has not been reported in the literature in individuals affected with BRCA1-related conditions. For these reasons, this variant has been classified as Pathogenic. This sequence change creates a premature translational stop signal (p.Ile1026Glyfs*4) in the BRCA1 gene. It is expected to result in an absent or disrupted protein product. Loss-of-function variants in BRCA1 are known to be pathogenic (PMID: 20104584). This variant is not present in population databases (gnomAD no frequency).

Literature cited by the submitters: PubMed 20104584.

NM_007294.4(BRCA1):c.3000_3075dup (p.Ile1026delinsGlyLysLeuTer)

Gene: BRCA1 (BRCA1 DNA repair associated; minus strand). Cytogenetic location: 17q21.31.
Variant type: Duplication.
Coding change: c.3000_3075dup on transcript NM_007294.4 (MANE Select); coding-DNA positions 3000 to 3075, 76 bases duplicated.
Protein change: p.Ile1026delinsGlyLysLeuTer.
Molecular consequence: nonsense. On other transcripts: intron variant (137).
Genome position (GRCh38, 1-based): chr17:43,092,456-43,092,531, 76 bases duplicated. GRCh37 (hg19): chr17:41,244,474-41,244,549.
Other names: c.2877_2952dup, p.Ile985delinsGlyLysLeuTer (NM_001407667.1, NM_001407668.1, NM_001407669.1 and 19 more transcripts); c.2874_2949dup, p.Ile984delinsGlyLysLeuTer (NM_001407670.1, NM_001407671.1, NM_001407672.1 and 11 more transcripts); c.3000_3075dup, p.Ile1026delinsGlyLysLeuTer (NM_001407684.1, NM_001407854.1, NM_001407858.1 and 30 more transcripts); c.2859_2934dup, p.Ile979delinsGlyLysLeuTer (NM_001407692.1, NM_001407694.1, NM_001407695.1 and 29 more transcripts); c.2856_2931dup, p.Ile978delinsGlyLysLeuTer (NM_001407740.1, NM_001407741.1, NM_001407742.1 and 20 more transcripts); c.2787_2862dup, p.Ile955delinsGlyLysLeuTer (NM_001407853.1, NM_001407894.1, NM_001407895.1 and 9 more transcripts); c.2997_3072dup, p.Ile1025delinsGlyLysLeuTer (NM_001407860.1, NM_001407861.1, NM_001407587.1 and 22 more transcripts); c.2799_2874dup, p.Ile959delinsGlyLysLeuTer (NM_001407862.1); and 41 more.
Identifiers: ClinVar variation 2848722 (VCV002848722.3), dbSNP rs2552171891, ClinGen allele CA2739265593.